The following is an entry in ClinVar:

NM_001146312.3(MYOCD):c.1465G>T (p.Val489Phe)

Gene: MYOCD (myocardin; plus strand). Cytogenetic location: 17p12.
Variant type: single nucleotide variant.
Coding change: c.1465G>T on transcript NM_001146312.3 (MANE Select); coding-DNA position 1465, G replaced by T.
Protein change: p.Val489Phe; replaces valine 489 with phenylalanine.
Molecular consequence: missense variant.
Genome position (GRCh38, 1-based): chr17:12,752,753, G>T. VCF-style: chr17-12752753-G-T. GRCh37 (hg19) VCF-style: chr17-12656070-G-T.
Other names: c.1228G>T, p.Val410Phe (NM_001378306.1); c.1465G>T, p.Val489Phe (NM_153604.4); short protein forms V410F, V489F.
Identifiers: ClinVar variation 3167405 (VCV003167405.2), dbSNP rs367926651, ClinGen allele CA8399620.
Genomic context (GRCh38, chr17:12,752,753, plus strand): 5'-GGGTCCCTGCCGGACACCTTCAATGATGCCTCCCCCTCCTTCGGCCTGCACCCGTCCCCA[G>T]TCCACGTGTGCACGGAGGAAAGTCTCATGAGCAGCCTGAATGGGGGCTCTGTTCCTTCTG-3'
Protein context (NP_001139784.1, residues 479-499): SPSFGLHPSP[Val489Phe]HVCTEESLMS

ClinVar aggregate classification (germline): Conflicting classifications of pathogenicity. Review status: criteria provided, conflicting classifications (1 of 4 stars). 2 submissions from 2 submitters: Uncertain significance (1); Likely benign (1). Last evaluated 2026-10-01.

Allele frequency attached by ClinVar (database versions not stated): gnomAD 0.00002; ExAC 0.00004; ESP Exome Variant Server 0.00008.
gnomAD v4.1: 14 of 1,614,034 alleles (0.00087%); highest among the groups gnomAD compares: East Asian, 0.025%; no homozygotes.

Submissions (2):

CeGaT Center for Human Genetics Tuebingen
Classification: Likely benign. Last evaluated: 2026-10-01. Review status: criteria provided, single submitter. Criteria: CeGaT Center For Human Genetics Tuebingen Variant Classification Criteria Version 2. Collection method: clinical testing. Allele origin: germline. Affected: yes. Observed: 1 variant allele.
Comment: MYOCD: BP4, BS1

Ambry Genetics
Classification: Uncertain significance. Last evaluated: 2024-01-23. Review status: criteria provided, single submitter. Criteria: Ambry Variant Classification Scheme 2023. Collection method: clinical testing. Allele origin: germline.